The following is an entry in ClinVar:

NM_001318852.2(MAPK8IP3):c.2151C>T (p.Ser717=)

Gene: MAPK8IP3 (mitogen-activated protein kinase 8 interacting protein 3; plus strand). Cytogenetic location: 16p13.3.
Variant type: single nucleotide variant.
Coding change: c.2151C>T on transcript NM_001318852.2 (MANE Select); coding-DNA position 2151, C replaced by T.
Protein change: p.Ser717=; no amino-acid change (serine 717 retained).
Molecular consequence: synonymous variant.
Genome position (GRCh38, 1-based): chr16:1,764,330, C>T. VCF-style: chr16-1764330-C-T. GRCh37 (hg19) VCF-style: chr16-1814331-C-T.
Other names: c.2130C>T, p.Ser710= (NM_001040439.2); c.2148C>T, p.Ser716= (NM_015133.5, NM_033392.3).
Identifiers: ClinVar variation 3026612 (VCV003026612.22), dbSNP rs1177746863, ClinGen allele CA493033379.

ClinVar aggregate classification (germline): Likely benign (1 of 4 stars; one submission).

Allele frequency attached by ClinVar (database versions not stated): TOPMed below 0.00001.

Submission:

CeGaT Center for Human Genetics Tuebingen
Classification: Likely benign. Last evaluated: 2023-12-01. Review status: criteria provided, single submitter. Criteria: CeGaT Center For Human Genetics Tuebingen Variant Classification Criteria Version 2. Collection method: clinical testing. Allele origin: germline. Affected: yes. Observed: 1 variant allele.
Comment: MAPK8IP3: BP4, BP7